The following is an entry in ClinVar:

NM_001256447.2(BCAP31):c.662A>T (p.Lys221Met)

Gene: BCAP31 (B cell receptor associated protein 31; minus strand). Cytogenetic location: Xq28.
Variant type: single nucleotide variant.
Coding change: c.662A>T on transcript NM_001256447.2 (MANE Select); coding-DNA position 662, A replaced by T.
Protein change: p.Lys221Met; replaces lysine 221 with methionine.
Molecular consequence: missense variant.
Genome position (GRCh38, 1-based): chrX:153,702,047, T>A on the plus strand (A>T on the coding strand, the complement: BCAP31 is on the minus strand). VCF-style: chrX-153702047-T-A. GRCh37 (hg19) VCF-style: chrX-152967502-T-A.
Other names: c.662A>T, p.Lys221Met (NM_001139441.1, NM_005745.8); c.863A>T, p.Lys288Met (NM_001139457.2); short protein forms K288M, K221M.
Identifiers: ClinVar variation 1902055 (VCV001902055.5), dbSNP rs1603221794, ClinGen allele CA415093110.

ClinVar aggregate classification (germline): Uncertain significance (1 of 4 stars; one submission).

Allele frequency attached by ClinVar (database versions not stated): TOPMed below 0.00001.
gnomAD v4.1: 14 of 1,211,944 alleles (0.0012%); highest among the groups gnomAD compares: African/African-American, 0.016%; no homozygotes.

Submission:

Labcorp Genetics (formerly Invitae), Labcorp
Classification: Uncertain significance. Last evaluated: 2022-08-28. Review status: criteria provided, single submitter. Criteria: Invitae Variant Classification Sherloc (09022015). Collection method: clinical testing. Allele origin: germline.
Comment: In summary, the available evidence is currently insufficient to determine the role of this variant in disease. Therefore, it has been classified as a Variant of Uncertain Significance. Algorithms developed to predict the effect of missense changes on protein structure and function are either unavailable or do not agree on the potential impact of this missense change (SIFT: "Deleterious"; PolyPhen-2: "Possibly Damaging"; Align-GVGD: "Class C0"). This variant has not been reported in the literature in individuals affected with BCAP31-related conditions. This variant is not present in population databases (gnomAD no frequency). This sequence change replaces lysine, which is basic and polar, with methionine, which is neutral and non-polar, at codon 221 of the BCAP31 protein (p.Lys221Met).